The following is an entry in ClinVar:

ClinVar aggregate classification (germline): Pathogenic (1 of 4 stars; one submission).

Submission:

Labcorp Genetics (formerly Invitae), Labcorp
Classification: Pathogenic. Last evaluated: 2023-08-04. Review status: criteria provided, single submitter. Criteria: Invitae Variant Classification Sherloc (09022015). Collection method: clinical testing. Allele origin: germline.
Comment: Algorithms developed to predict the effect of sequence changes on RNA splicing suggest that this variant may create or strengthen a splice site. For these reasons, this variant has been classified as Pathogenic. This variant disrupts a region of the ASNS protein in which other variant(s) (p.Arg550Cys) have been determined to be pathogenic (PMID: 24139043, 27522229). This suggests that this is a clinically significant region of the protein, and that variants that disrupt it are likely to be disease-causing. This variant has not been reported in the literature in individuals affected with ASNS-related conditions. This variant is not present in population databases (gnomAD no frequency). This sequence change creates a premature translational stop signal (p.Gln492Argfs*6) in the ASNS gene. While this is not anticipated to result in nonsense mediated decay, it is expected to disrupt the last 70 amino acid(s) of the ASNS protein.

Literature cited by the submitters: PubMed 24139043; PubMed 27522229.

NM_001673.5(ASNS):c.1475del (p.Gln492fs)

Genes: ASNS (asparagine synthetase (glutamine-hydrolyzing); minus strand), CZ1P-ASNS (CZ1P-ASNS readthrough; minus strand). Cytogenetic location: 7q21.3.
Variant type: Deletion.
Coding change: c.1475del on transcript NM_001673.5 (MANE Select); coding-DNA position 1475, one base deleted (A; older notation c.1475delA).
Protein change: p.Gln492fs; shifts the reading frame from glutamine 492.
Molecular consequence: frameshift variant. On other transcripts: non-coding transcript variant (1).
Genome position (GRCh38, 1-based): chr7:97,853,061, T deleted on the plus strand (A on the coding strand, the reverse complement: ASNS is on the minus strand). VCF-style (leftmost placement, unchanged base first): chr7-97853060-CT-C. GRCh37 (hg19) VCF-style: chr7-97482372-CT-C.
Other names: c.1412del, p.Gln471fs (NM_001178075.2); c.1226del, p.Gln409fs (NM_001178076.2, NM_001178077.1); c.1475del, p.Gln492fs (NM_001352496.2, NM_133436.3, NM_183356.4); short protein forms Q492fs, Q409fs, Q471fs.
Identifiers: ClinVar variation 2747596 (VCV002747596.3), dbSNP rs2484628072, ClinGen allele CA2697557435.